The following is an entry in ClinVar:

ClinVar aggregate classification (germline): Uncertain significance (1 of 4 stars; one submission).

Allele frequency attached by ClinVar (database versions not stated): gnomAD exomes below 0.00001.
gnomAD v4.1: 1 of 1,613,864 alleles (0.000062%); highest among the groups gnomAD compares: Non-Finnish European, 0.000085%; no homozygotes.

Submission:

Labcorp Genetics (formerly Invitae), Labcorp
Classification: Uncertain significance. Last evaluated: 2022-07-08. Review status: criteria provided, single submitter. Criteria: Invitae Variant Classification Sherloc (09022015). Collection method: clinical testing. Allele origin: germline.
Comment: This sequence change replaces aspartic acid, which is acidic and polar, with glutamic acid, which is acidic and polar, at codon 1106 of the KAT6A protein (p.Asp1106Glu). This variant is not present in population databases (gnomAD no frequency). This variant has not been reported in the literature in individuals affected with KAT6A-related conditions. Algorithms developed to predict the effect of missense changes on protein structure and function output the following: SIFT: "Tolerated"; PolyPhen-2: "Benign"; Align-GVGD: "Class C0". The glutamic acid amino acid residue is found in multiple mammalian species, which suggests that this missense change does not adversely affect protein function. In summary, the available evidence is currently insufficient to determine the role of this variant in disease. Therefore, it has been classified as a Variant of Uncertain Significance.

NM_006766.5(KAT6A):c.3318T>A (p.Asp1106Glu)

Gene: KAT6A (lysine acetyltransferase 6A; minus strand). Cytogenetic location: 8p11.21.
Variant type: single nucleotide variant.
Coding change: c.3318T>A on transcript NM_006766.5 (MANE Select); coding-DNA position 3318, T replaced by A.
Protein change: p.Asp1106Glu; replaces aspartic acid 1106 with glutamic acid.
Molecular consequence: missense variant.
Genome position (GRCh38, 1-based): chr8:41,937,290, A>T on the plus strand (T>A on the coding strand, the complement: KAT6A is on the minus strand). VCF-style: chr8-41937290-A-T. GRCh37 (hg19) VCF-style: chr8-41794808-A-T.
Other names: short protein forms D1106E.
Identifiers: ClinVar variation 2109101 (VCV002109101.4), dbSNP rs2486763114, ClinGen allele CA371069846.
Genomic context (GRCh38, chr8:41,937,290, plus strand): 5'-CAGTAAGTGAGTTCTGTAAAACATACCATCAGCATCATCTGACTCTTCATCTTCTTCTTC[A>T]TCTTTAGACTTCCTCTTAGAAGAGGACTGACACCTGAGTACATCCTGCGAAGACAAACGA-3'
Protein context (NP_006757.2, residues 1096-1116): CQSSSKRKSK[Asp1106Glu]EEEDEESDDA